The following is an entry in ClinVar:

NM_001267550.2(TTN):c.51066C>T (p.Ala17022=)

Genes: TTN-AS1 (TTN antisense RNA 1; plus strand), TTN (titin; minus strand). Cytogenetic location: 2q31.2.
Variant type: single nucleotide variant.
Coding change: c.51066C>T on transcript NM_001267550.2 (MANE Select); coding-DNA position 51066, C replaced by T.
Protein change: p.Ala17022=; no amino-acid change (alanine 17022 retained).
Molecular consequence: synonymous variant.
Genome position (GRCh38, 1-based): chr2:178,611,063, G>A on the plus strand (C>T on the coding strand, the complement: TTN is on the minus strand). VCF-style: chr2-178611063-G-A. GRCh37 (hg19) VCF-style: chr2-179475790-G-A.
Other names: c.46143C>T, p.Ala15381= (NM_001256850.1); c.23871C>T, p.Ala7957= (NM_003319.4); c.43362C>T, p.Ala14454= (NM_133378.4); c.24246C>T, p.Ala8082= (NM_133432.3); c.24447C>T, p.Ala8149= (NM_133437.4).
Identifiers: ClinVar variation 518149 (VCV000518149.13), dbSNP rs762091746, ClinGen allele CA1994256.

ClinVar aggregate classification (germline): Likely benign. Review status: criteria provided, multiple submitters, no conflicts (2 of 4 stars). 4 submissions from 4 submitters: Likely benign (3). 1 of the submissions does not count toward it. Last evaluated 2025-07-30.

Conditions:
Dilated cardiomyopathy 1G (CMD1G). Identifiers: Orphanet 154, MedGen C1858763, MONDO:0011400, OMIM 604145.
Autosomal recessive limb-girdle muscular dystrophy type 2J (LGMDR10). Also called: Limb-girdle muscular dystrophy, type 2J; MUSCULAR DYSTROPHY, LIMB-GIRDLE, AUTOSOMAL RECESSIVE 10. Identifiers: Orphanet 140922, MedGen C1837342, MONDO:0012127, OMIM 608807.
Cardiovascular phenotype. Identifiers: MedGen CN230736.

Allele frequency attached by ClinVar (database versions not stated): gnomAD exomes 0.00001 and 0.00002; TOPMed 0.00002; ExAC 0.00003; gnomAD 0.00003 and 0.00004.
gnomAD v4.1: 20 of 1,612,620 alleles (0.0012%); highest among the groups gnomAD compares: East Asian, 0.0089%; no homozygotes.

Submissions (4):

Labcorp Genetics (formerly Invitae), Labcorp
Classification: Likely benign for Dilated cardiomyopathy 1G; Autosomal recessive limb-girdle muscular dystrophy type 2J. Last evaluated: 2025-07-30. Review status: criteria provided, single submitter. Criteria: Invitae Variant Classification Sherloc (09022015). Collection method: clinical testing. Allele origin: germline.

Ambry Genetics
Classification: Likely benign for Cardiovascular phenotype. Last evaluated: 2022-03-25. Review status: criteria provided, single submitter. Criteria: Ambry Variant Classification Scheme 2023. Collection method: clinical testing. Allele origin: germline.

GeneDx
Classification: Likely benign. Last evaluated: 2017-06-16. Review status: criteria provided, single submitter. Criteria: GeneDx Variant Classification (06012015). Collection method: clinical testing. Allele origin: germline. Affected: yes.
Comment: This variant is considered likely benign or benign based on one or more of the following criteria: it is a conservative change, it occurs at a poorly conserved position in the protein, it is predicted to be benign by multiple in silico algorithms, and/or has population frequency not consistent with disease.

Genetic Services Laboratory, University of Chicago
Classification: Likely benign. Last evaluated: 2022-06-27. Review status: no assertion criteria provided. Collection method: clinical testing. Allele origin: germline. Affected: no. Not counted in ClinVar's aggregate classification.